The following is an entry in ClinVar:

ClinVar aggregate classification (germline): Uncertain significance (1 of 4 stars; one submission).

Conditions:
Naxos disease (NXD). Also called: KERATOSIS PALMOPLANTARIS WITH ARRHYTHMOGENIC CARDIOMYOPATHY; MAL DE NAXOS; PALMOPLANTAR KERATODERMA WITH ARRHYTHMOGENIC RIGHT VENTRICULAR CARDIOMYOPATHY AND WOOLLY HAIR; WOOLLY HAIR, PALMOPLANTAR KERATODERMA, AND CARDIAC ABNORMALITIES; CARDIOMYOPATHY, ARRHYTHMOGENIC RIGHT VENTRICULAR, WITH SKIN, HAIR, AND NAIL ABNORMALITIES. Identifiers: Orphanet 34217, MedGen C1832600, MONDO:0011017, OMIM 601214.
Arrhythmogenic right ventricular dysplasia 12. Also called: ARRHYTHMOGENIC RIGHT VENTRICULAR DYSPLASIA, FAMILIAL, 12. Identifiers: MedGen C1969081, MONDO:0012684, OMIM 611528.

gnomAD v4.1: 2 of 1,613,200 alleles (0.00012%); highest among the groups gnomAD compares: African/African-American, 0.0013%; no homozygotes.

Submission:

Labcorp Genetics (formerly Invitae), Labcorp
Classification: Uncertain significance for Arrhythmogenic right ventricular dysplasia 12; Naxos disease. Last evaluated: 2024-03-16. Review status: criteria provided, single submitter. Criteria: Invitae Variant Classification Sherloc (09022015). Collection method: clinical testing. Allele origin: germline.
Comment: This sequence change replaces isoleucine, which is neutral and non-polar, with valine, which is neutral and non-polar, at codon 621 of the JUP protein (p.Ile621Val). This variant is not present in population databases (gnomAD no frequency). This variant has not been reported in the literature in individuals affected with JUP-related conditions. An algorithm developed to predict the effect of missense changes on protein structure and function (PolyPhen-2) suggests that this variant is likely to be disruptive. In summary, the available evidence is currently insufficient to determine the role of this variant in disease. Therefore, it has been classified as a Variant of Uncertain Significance.

NM_002230.4(JUP):c.1861A>G (p.Ile621Val)

Gene: JUP (junction plakoglobin; minus strand). Cytogenetic location: 17q21.2.
Variant type: single nucleotide variant.
Coding change: c.1861A>G on transcript NM_002230.4 (MANE Select); coding-DNA position 1861, A replaced by G.
Protein change: p.Ile621Val; replaces isoleucine 621 with valine.
Molecular consequence: missense variant.
Genome position (GRCh38, 1-based): chr17:41,757,697, T>C on the plus strand (A>G on the coding strand, the complement: JUP is on the minus strand). VCF-style: chr17-41757697-T-C. GRCh37 (hg19) VCF-style: chr17-39913949-T-C.
Other names: c.1861A>G, p.Ile621Val (NM_001352773.2, NM_001352774.2, NM_001352775.2 and 3 more transcripts); short protein forms I621V.
Identifiers: ClinVar variation 3749196 (VCV003749196.2).